The following is an entry in ClinVar:

ClinVar aggregate classification (germline): Uncertain significance (1 of 4 stars; one submission).

Submission:

Labcorp Genetics (formerly Invitae), Labcorp
Classification: Uncertain significance. Last evaluated: 2022-05-06. Review status: criteria provided, single submitter. Criteria: Invitae Variant Classification Sherloc (09022015). Collection method: clinical testing. Allele origin: germline.
Comment: This variant is not present in population databases (gnomAD no frequency). This sequence change replaces proline, which is neutral and non-polar, with threonine, which is neutral and polar, at codon 1494 of the LTBP2 protein (p.Pro1494Thr). This variant has not been reported in the literature in individuals affected with LTBP2-related conditions. Algorithms developed to predict the effect of missense changes on protein structure and function (SIFT, PolyPhen-2, Align-GVGD) all suggest that this variant is likely to be disruptive. In summary, the available evidence is currently insufficient to determine the role of this variant in disease. Therefore, it has been classified as a Variant of Uncertain Significance.

NM_000428.3(LTBP2):c.4480C>A (p.Pro1494Thr)

Gene: LTBP2 (latent transforming growth factor beta binding protein 2; minus strand). Cytogenetic location: 14q24.3.
Variant type: single nucleotide variant.
Coding change: c.4480C>A on transcript NM_000428.3 (MANE Select); coding-DNA position 4480, C replaced by A.
Protein change: p.Pro1494Thr; replaces proline 1494 with threonine.
Molecular consequence: missense variant.
Genome position (GRCh38, 1-based): chr14:74,504,028, G>T on the plus strand (C>A on the coding strand, the complement: LTBP2 is on the minus strand). VCF-style: chr14-74504028-G-T. GRCh37 (hg19) VCF-style: chr14-74970731-G-T.
Other names: short protein forms P1494T.
Identifiers: ClinVar variation 2134821 (VCV002134821.4), dbSNP rs2086950932, ClinGen allele CA390385504.